The following is an entry in ClinVar:

NM_001267550.2(TTN):c.102607_102615del (p.Asp34203_Gly34205del)

Genes: TTN-AS1 (TTN antisense RNA 1; plus strand), TTN (titin; minus strand). Cytogenetic location: 2q31.2.
Variant type: Deletion.
Coding change: c.102607_102615del on transcript NM_001267550.2 (MANE Select); coding-DNA positions 102607 to 102615, 9 bases deleted (GATGATGGT; older notation c.102607_102615delGATGATGGT).
Protein change: p.Asp34203_Gly34205del.
Molecular consequence: inframe deletion.
Genome position (GRCh38, 1-based): chr2:178,534,000-178,534,008, ACCATCATC deleted on the plus strand (GATGATGGT on the coding strand, the reverse complement: TTN is on the minus strand). VCF-style (leftmost placement, unchanged base first): chr2-178533999-TACCATCATC-T. GRCh37 (hg19) VCF-style: chr2-179398726-TACCATCATC-T.
Other names: c.97684_97692del, p.Asp32562_Gly32564del (NM_001256850.1); c.75412_75420del, p.Asp25138_Gly25140del (NM_003319.4); c.94903_94911del, p.Asp31635_Gly31637del (NM_133378.4); c.75787_75795del, p.Asp25263_Gly25265del (NM_133432.3); c.75988_75996del, p.Asp25330_Gly25332del (NM_133437.4); c.102607_102615delGATGATGGT (NM_001267550.2).
Identifiers: ClinVar variation 578161 (VCV000578161.9), dbSNP rs1559032218, ClinGen allele CA891842579.

ClinVar aggregate classification (germline): Uncertain significance. Review status: criteria provided, multiple submitters, no conflicts (2 of 4 stars). 2 submissions from 2 submitters: Uncertain significance (2). Last evaluated 2022-03-09.

Conditions:
Autosomal recessive limb-girdle muscular dystrophy type 2J (LGMDR10). Also called: Limb-girdle muscular dystrophy, type 2J; MUSCULAR DYSTROPHY, LIMB-GIRDLE, AUTOSOMAL RECESSIVE 10. Identifiers: Orphanet 140922, MedGen C1837342, MONDO:0012127, OMIM 608807.
Dilated cardiomyopathy 1G (CMD1G). Identifiers: Orphanet 154, MedGen C1858763, MONDO:0011400, OMIM 604145.

Submissions (2):

Labcorp Genetics (formerly Invitae), Labcorp
Classification: Uncertain significance for Dilated cardiomyopathy 1G; Autosomal recessive limb-girdle muscular dystrophy type 2J. Last evaluated: 2022-03-09. Review status: criteria provided, single submitter. Criteria: Invitae Variant Classification Sherloc (09022015). Collection method: clinical testing. Allele origin: germline.
Comment: This variant, c.102607_102615del, results in the deletion of 3 amino acid(s) of the TTN protein (p.Asp34203_Gly34205del), but otherwise preserves the integrity of the reading frame. This variant is not present in population databases (gnomAD no frequency). This variant has not been reported in the literature in individuals affected with TTN-related conditions. ClinVar contains an entry for this variant (Variation ID: 578161). Experimental studies and prediction algorithms are not available or were not evaluated, and the functional significance of this variant is currently unknown. This variant is located in the M band of TTN (PMID: 25589632). Variants in this region may be relevant for neuromuscular disorders, but have not been definitively shown to cause cardiomyopathy (PMID: 23975875). In summary, the available evidence is currently insufficient to determine the role of this variant in disease. Therefore, it has been classified as a Variant of Uncertain Significance.

Eurofins Ntd Llc (ga)
Classification: Uncertain significance. Last evaluated: 2018-03-22. Review status: criteria provided, single submitter. Criteria: EGL ClinVar v180209 classification definitions. Collection method: clinical testing. Allele origin: germline. Observed: 1 variant allele, 1 heterozygote.

Literature cited by the submitters: PubMed 25589632 (cited by Labcorp Genetics (formerly Invitae), Labcorp); PubMed 23975875 (cited by Labcorp Genetics (formerly Invitae), Labcorp).